The following is an entry in ClinVar:

ClinVar aggregate classification (germline): Likely pathogenic (1 of 4 stars; one submission).

Conditions:
Ovarian dysgenesis 9. Identifiers: MedGen C5562046, MONDO:0030506, OMIM 619665.

Submission:

Molecular Genetics and NGS Laboratory, Hospital Fundacion Valle Del Lili
Classification: Likely pathogenic for Ovarian dysgenesis 9. Last evaluated: 2025-10-22. Review status: criteria provided, single submitter. Criteria: ACMG Guidelines, 2015. Collection method: clinical testing. Allele origin: unknown. Inheritance: Autosomal recessive inheritance. Affected: yes. Observed: 1 heterozygote.
Comment: This variant was classified as likely pathogenic according to the American College of Medical Genetics and Genomics (ACMG) criteria as follows: PVS1: Null variant (frameshift) in the SPIDR gene, predicted to trigger nonsense-mediated mRNA decay (NMD). Loss of function is an established mechanism of disease (five reported pathogenic loss-of-function variants). The truncated region includes one previously reported pathogenic variant. PM2: Variant not detected in gnomAD genomes (coverage 31.0) or exomes (coverage 30.3).

NM_001080394.4(SPIDR):c.2104dup (p.Cys702fs)

Gene: SPIDR (scaffold protein involved in DNA repair; plus strand). Cytogenetic location: 8q11.21.
Variant type: Duplication.
Coding change: c.2104dup on transcript NM_001080394.4 (MANE Select); coding-DNA position 2104, one base duplicated (T; older notation c.2104dupT).
Protein change: p.Cys702fs; shifts the reading frame from cysteine 702.
Molecular consequence: frameshift variant. On other transcripts: non-coding transcript variant (5).
Genome position (GRCh38, 1-based): chr8:47,712,788, T duplicated. VCF-style (leftmost placement, unchanged base first): chr8-47712787-G-GT. GRCh37 (hg19) VCF-style: chr8-48625349-G-GT.
Other names: p.Cys702Leufs*6; c.1894dup, p.Cys632fs (NM_001282916.1, NM_001352935.1, NM_001352936.1); c.1924dup, p.Cys642fs (NM_001282919.1, NM_001352933.1, NM_001352937.1); c.2104dup, p.Cys702fs (NM_001352931.1, NM_001352934.1, NM_001352961.1); c.1984dup, p.Cys662fs (NM_001352932.1); c.1612dup, p.Cys538fs (NM_001352938.1, NM_001352939.1, NM_001352940.1 and 2 more transcripts); c.1588dup, p.Cys530fs (NM_001352941.1, NM_001352944.1); c.1447dup, p.Cys483fs (NM_001352942.1, NM_001352949.1); and 6 more; short protein forms C632fs, C702fs, C177fs, C452fs, C483fs, C460fs, C530fs, C538fs.
Identifiers: ClinVar variation 4526335 (VCV004526335.1).